The following is an entry in ClinVar:

NM_001242896.3(DEPDC5):c.424G>A (p.Gly142Ser)

Gene: DEPDC5 (DEP domain containing 5, GATOR1 subcomplex subunit; plus strand). Cytogenetic location: 22q12.2.
Variant type: single nucleotide variant.
Coding change: c.424G>A on transcript NM_001242896.3 (MANE Select); coding-DNA position 424, G replaced by A.
Protein change: p.Gly142Ser; replaces glycine 142 with serine.
Molecular consequence: missense variant. On other transcripts: non-coding transcript variant (5).
Genome position (GRCh38, 1-based): chr22:31,778,109, G>A. VCF-style: chr22-31778109-G-A. GRCh37 (hg19) VCF-style: chr22-32174095-G-A.
Other names: c.424G>A, p.Gly142Ser (NM_001007188.4, NM_001136029.4, NM_001242897.2 and 7 more transcripts); c.340G>A, p.Gly114Ser (NM_001369901.1, NM_001369902.1); short protein forms G114S, G142S.
Identifiers: ClinVar variation 3013489 (VCV003013489.3), dbSNP rs1279099190, ClinGen allele CA411284405.
Genomic context (GRCh38, chr22:31,778,109, plus strand): 5'-GTATTGGTTTCATGTAAGACTTGTAATAACTTGTGTGTGTATTCTTTCAGAGCACAGGCT[G>A]GTGAACTGTGGGTTAAGAATGAGAAGGTCATGTGTGGCTACATCAGTGAAGATACCAGGG-3'
Protein context (NP_001229825.1, residues 132-152): VEFAGIRAQA[Gly142Ser]ELWVKNEKVM

ClinVar aggregate classification (germline): Uncertain significance (1 of 4 stars; one submission).

Conditions:
Familial focal epilepsy with variable foci (FPEVF). Identifiers: Orphanet 98820, MedGen C1858477, MONDO:0020310.

Allele frequency attached by ClinVar (database versions not stated): gnomAD exomes below 0.00001.
gnomAD v4.1: 4 of 1,614,144 alleles (0.00025%); highest among the groups gnomAD compares: Non-Finnish European, 0.00034%; no homozygotes.

Submission:

Labcorp Genetics (formerly Invitae), Labcorp
Classification: Uncertain significance for Familial focal epilepsy with variable foci. Last evaluated: 2023-03-26. Review status: criteria provided, single submitter. Criteria: Invitae Variant Classification Sherloc (09022015). Collection method: clinical testing. Allele origin: germline.
Comment: This sequence change replaces glycine, which is neutral and non-polar, with serine, which is neutral and polar, at codon 142 of the DEPDC5 protein (p.Gly142Ser). In summary, the available evidence is currently insufficient to determine the role of this variant in disease. Therefore, it has been classified as a Variant of Uncertain Significance. Experimental studies and prediction algorithms are not available or were not evaluated, and the functional significance of this variant is currently unknown. This variant has not been reported in the literature in individuals affected with DEPDC5-related conditions. This variant is present in population databases (no rsID available, gnomAD 0.0009%).